The following is an entry in ClinVar:

NM_001184.4(ATR):c.6871G>C (p.Ala2291Pro)

Gene: ATR (ATR checkpoint kinase; minus strand). Cytogenetic location: 3q23.
Variant type: single nucleotide variant.
Coding change: c.6871G>C on transcript NM_001184.4 (MANE Select); coding-DNA position 6871, G replaced by C.
Protein change: p.Ala2291Pro; replaces alanine 2291 with proline.
Molecular consequence: missense variant.
Genome position (GRCh38, 1-based): chr3:142,466,350, C>G on the plus strand (G>C on the coding strand, the complement: ATR is on the minus strand). VCF-style: chr3-142466350-C-G. GRCh37 (hg19) VCF-style: chr3-142185192-C-G.
Other names: c.6679G>C, p.Ala2227Pro (NM_001354579.2); short protein forms A2291P, A2227P.
Identifiers: ClinVar variation 1755892 (VCV001755892.2), dbSNP rs1479311957, ClinGen allele CA354801228.

ClinVar aggregate classification (germline): Uncertain significance (1 of 4 stars; one submission).

Conditions:
Inborn genetic diseases. Identifiers: MedGen C0950123, MeSH D030342.

Submission:

Ambry Genetics
Classification: Uncertain significance for Inborn genetic diseases. Last evaluated: 2022-03-16. Review status: criteria provided, single submitter. Criteria: Ambry Variant Classification Scheme 2023. Collection method: clinical testing. Allele origin: germline.
Comment: The p.A2291P variant (also known as c.6871G>C), located in coding exon 40 of the ATR gene, results from a G to C substitution at nucleotide position 6871. The alanine at codon 2291 is replaced by proline, an amino acid with highly similar properties. This amino acid position is conserved. In addition, the in silico prediction for this alteration is inconclusive. Since supporting evidence is limited at this time, the clinical significance of this alteration remains unclear.